The following is an entry in ClinVar:

NM_005141.5(FGB):c.*447T>C

Gene: FGB (fibrinogen beta chain; plus strand). Cytogenetic location: 4q31.3.
Variant type: single nucleotide variant.
Coding change: c.*447T>C on transcript NM_005141.5 (MANE Select); 447 bases downstream of the stop codon, T replaced by C.
Molecular consequence: 3 prime UTR variant.
Genome position (GRCh38, 1-based): chr4:154,571,097, T>C. VCF-style: chr4-154571097-T-C. GRCh37 (hg19) VCF-style: chr4-155492249-T-C.
Other names: c.*447T>C (NM_001184741.1, NM_001382759.1, NM_001382760.1 and 3 more transcripts); c.*588T>C (NM_001382761.1); c.*697T>C (NM_001382764.1).
Identifiers: ClinVar variation 347784 (VCV000347784.6), dbSNP rs2227423, ClinGen allele CA10620252.

ClinVar aggregate classification (germline): Benign. Review status: criteria provided, multiple submitters, no conflicts (2 of 4 stars). 2 submissions from 2 submitters: Benign (2). Last evaluated 2018-01-13.

Conditions:
Congenital afibrinogenemia. Identifiers: Orphanet 335, Orphanet 98880, MedGen C2584774, MONDO:0008737, OMIM 202400.

Allele frequency attached by ClinVar (database versions not stated): 1000 Genomes Project 30x 0.13210; 1000 Genomes Project 0.13798; TOPMed 0.13884; gnomAD 0.13969 and 0.14132.
gnomAD v4.1: 40,415 of 262,142 alleles (15%); highest among the groups gnomAD compares: Middle Eastern, 21%; 3,708 homozygotes.

Submissions (2):

Illumina Laboratory Services, Illumina
Classification: Benign for Congenital afibrinogenemia. Last evaluated: 2018-01-13. Review status: criteria provided, single submitter. Criteria: ICSL Variant Classification Criteria 13 December 2019. Collection method: clinical testing. Allele origin: germline.
Comment: This variant was observed in the ICSL laboratory as part of a predisposition screen in an ostensibly healthy population. It had not been previously curated by ICSL or reported in the Human Gene Mutation Database (HGMD: prior to June 1st, 2018), and was therefore a candidate for classification through an automated scoring system. Utilizing variant allele frequency, disease prevalence and penetrance estimates, and inheritance mode, an automated score was calculated to assess if this variant is too frequent to cause the disease. Based on the score and internal cut-off values, a variant classified as benign is not then subjected to further curation. The score for this variant resulted in a classification of benign for this disease.

Breakthrough Genomics
Classification: Benign. Review status: criteria provided, single submitter. Criteria: ACMG Guidelines, 2015. Collection method: not provided. Allele origin: germline. Inheritance: Autosomal recessive inheritance. Affected: yes.